The following is an entry in ClinVar:

NM_014946.4(SPAST):c.78C>T (p.Pro26=)

Gene: SPAST (spastin; plus strand). Cytogenetic location: 2p22.3.
Variant type: single nucleotide variant.
Coding change: c.78C>T on transcript NM_014946.4 (MANE Select); coding-DNA position 78, C replaced by T.
Protein change: p.Pro26=; no amino-acid change (proline 26 retained).
Molecular consequence: synonymous variant.
Genome position (GRCh38, 1-based): chr2:32,063,909, C>T. VCF-style: chr2-32063909-C-T. GRCh37 (hg19) VCF-style: chr2-32288978-C-T.
Other names: c.78C>T, p.Pro26= (NM_001363823.2, NM_001363875.2, NM_001377959.1 and 1 more transcripts).
Identifiers: ClinVar variation 2078849 (VCV002078849.6), dbSNP rs572109743, ClinGen allele CA1600476.
Genomic context (GRCh38, chr2:32,063,909, plus strand): 5'-ACGAGGGAAGAAGAAAGGCTCCGGCGGCGCCAGCAACCCGGTGCCTCCCAGGCCTCCGCC[C>T]CCTTGCCTGGCCCCCGCCCCTCCCGCCGCCGGGCCGGCCCCTCCGCCCGAGTCGCCGCAT-3'
Protein context (NP_055761.2, residues 16-36): ASNPVPPRPP[Pro26=]PCLAPAPPAA

ClinVar aggregate classification (germline): Likely benign. Review status: criteria provided, single submitter (1 of 4 stars). 2 submissions from 2 submitters: Likely benign (1). 1 of the submissions does not count toward it. Last evaluated 2025-11-24.

Conditions:
Hereditary spastic paraplegia 4. Also called: Spastic paraplegia 4, autosomal dominant; Spastic Paraplegia 4; Familial spastic paraplegia autosomal dominant 2. Identifiers: Orphanet 100985, MedGen C1866855, MONDO:0008438, OMIM 182601.
SPAST-related disorder. Also called: SPAST-related condition.

Allele frequency attached by ClinVar (database versions not stated): gnomAD 0.00007; 1000 Genomes Project 30x 0.00016; 1000 Genomes Project 0.00020.
gnomAD v4.1: 23 of 1,585,216 alleles (0.0015%); highest among the groups gnomAD compares: African/African-American, 0.025%; no homozygotes.

Submissions (2):

Labcorp Genetics (formerly Invitae), Labcorp
Classification: Likely benign for Hereditary spastic paraplegia 4. Last evaluated: 2025-11-24. Review status: criteria provided, single submitter. Criteria: Invitae Variant Classification Sherloc (09022015). Collection method: clinical testing. Allele origin: germline.

PreventionGenetics, part of Exact Sciences
Classification: Likely benign for SPAST-related condition. Last evaluated: 2019-03-08. Review status: no assertion criteria provided. Collection method: clinical testing. Allele origin: germline. Not counted in ClinVar's aggregate classification.
Comment: This variant is classified as likely benign based on ACMG/AMP sequence variant interpretation guidelines (Richards et al. 2015 PMID: 25741868, with internal and published modifications).